The following is an entry in ClinVar:

ClinVar aggregate classification (germline): Uncertain significance (1 of 4 stars; one submission).

Conditions:
CPOX-related disorder. Also called: CPOX-related disorders; CPOX-related condition.

Submission:

PreventionGenetics, part of Exact Sciences
Classification: Uncertain significance for CPOX-related condition. Last evaluated: 2025-01-22. Review status: criteria provided, single submitter. Criteria: ACMG Guidelines, 2015. Collection method: clinical testing. Allele origin: germline.
Comment: The CPOX c.784A>G variant is predicted to result in the amino acid substitution p.Arg262Gly. This variant was reported in the heterozygous state in an individual with autosomal dominant Coproporphyria (Loskove et al. 2019. PubMed ID: 30385147). This variant is reported in 0.00088% of alleles in individuals of European (Non-Finnish) descent in gnomAD. At this time, the clinical significance of this variant is uncertain due to the absence of conclusive functional and genetic evidence.

NM_000097.7(CPOX):c.784A>G (p.Arg262Gly)

Gene: CPOX (coproporphyrinogen oxidase; minus strand). Cytogenetic location: 3q11.2.
Variant type: single nucleotide variant.
Coding change: c.784A>G on transcript NM_000097.7 (MANE Select); coding-DNA position 784, A replaced by G.
Protein change: p.Arg262Gly; replaces arginine 262 with glycine.
Molecular consequence: missense variant.
Genome position (GRCh38, 1-based): chr3:98,590,659, T>C on the plus strand (A>G on the coding strand, the complement: CPOX is on the minus strand). VCF-style: chr3-98590659-T-C. GRCh37 (hg19) VCF-style: chr3-98309503-T-C.
Other names: short protein forms R262G.
Identifiers: ClinVar variation 4999172 (VCV004999172.1).